The following is an entry in ClinVar:

ClinVar aggregate classification (germline): Conflicting classifications of pathogenicity. Review status: criteria provided, conflicting classifications (1 of 4 stars). 2 submissions from 2 submitters: Uncertain significance (1); Likely benign (1). Last evaluated 2025-08-07.

Conditions:
Cardiovascular phenotype. Identifiers: MedGen CN230736.
Hypercholesterolemia, autosomal dominant, type B (FHCL2). Also called: APOB-Related Familial Hypercholesterolemia, Autosomal Dominant; Hyperlipoproteinemia Type IIb; Familial Hypercholesterolemia Type B; APOLIPOPROTEIN B-100, FAMILIAL DEFECTIVE; APOLIPOPROTEIN B-100, FAMILIAL LIGAND-DEFECTIVE; Familial hypercholesterolemia 2. Identifiers: MedGen C1704417, MONDO:0007751, OMIM 144010.
Familial hypobetalipoproteinemia 1. Also called: APOB-Related Familial Hypobetalipoproteinemia; Hypobetalipoproteinemia, normotriglyceridemic; Acanthocytosis with hypobetalipoproteinemia. Identifiers: MedGen C4551990, MONDO:0014252, OMIM 615558.

Allele frequency attached by ClinVar (database versions not stated): TOPMed 0.00002; gnomAD exomes 0.00003; ExAC 0.00004; gnomAD 0.00004; ESP Exome Variant Server 0.00008.
gnomAD v4.1: 27 of 1,613,890 alleles (0.0017%); highest among the groups gnomAD compares: Non-Finnish European, 0.0022%; 1 homozygote.

Submissions (2):

Labcorp Genetics (formerly Invitae), Labcorp
Classification: Likely benign for Familial hypobetalipoproteinemia 1; Hypercholesterolemia, autosomal dominant, type B. Last evaluated: 2025-08-07. Review status: criteria provided, single submitter. Criteria: Invitae Variant Classification Sherloc (09022015). Collection method: clinical testing. Allele origin: germline.

Ambry Genetics
Classification: Uncertain significance for Cardiovascular phenotype. Last evaluated: 2025-05-02. Review status: criteria provided, single submitter. Criteria: Ambry Variant Classification Scheme 2023. Collection method: clinical testing. Allele origin: germline.
Comment: The p.I3661T variant (also known as c.10982T>C), located in coding exon 26 of the APOB gene, results from a T to C substitution at nucleotide position 10982. The isoleucine at codon 3661 is replaced by threonine, an amino acid with similar properties. This amino acid position is conserved. In addition, this alteration is predicted to be tolerated by in silico analysis. Since supporting evidence is limited at this time, the clinical significance of this alteration remains unclear.

NM_000384.3(APOB):c.10982T>C (p.Ile3661Thr)

Gene: APOB (apolipoprotein B; minus strand). Cytogenetic location: 2p24.1.
Variant type: single nucleotide variant.
Coding change: c.10982T>C on transcript NM_000384.3 (MANE Select); coding-DNA position 10982, T replaced by C.
Protein change: p.Ile3661Thr; replaces isoleucine 3661 with threonine.
Molecular consequence: missense variant.
Genome position (GRCh38, 1-based): chr2:21,005,886, A>G on the plus strand (T>C on the coding strand, the complement: APOB is on the minus strand). VCF-style: chr2-21005886-A-G. GRCh37 (hg19) VCF-style: chr2-21228758-A-G.
Other names: short protein forms I3661T.
Identifiers: ClinVar variation 630252 (VCV000630252.10), dbSNP rs377425803, ClinGen allele CA045300.